The following is an entry in ClinVar:

NM_004733.4(SLC33A1):c.1420C>T (p.Leu474Phe)

Gene: SLC33A1 (solute carrier family 33 member 1; minus strand). Cytogenetic location: 3q25.31.
Variant type: single nucleotide variant.
Coding change: c.1420C>T on transcript NM_004733.4 (MANE Select); coding-DNA position 1420, C replaced by T.
Protein change: p.Leu474Phe; replaces leucine 474 with phenylalanine.
Molecular consequence: missense variant.
Genome position (GRCh38, 1-based): chr3:155,829,750, G>A on the plus strand (C>T on the coding strand, the complement: SLC33A1 is on the minus strand). VCF-style: chr3-155829750-G-A. GRCh37 (hg19) VCF-style: chr3-155547539-G-A.
Other names: c.1420C>T, p.Leu474Phe (NM_001190992.2); c.1114C>T, p.Leu372Phe (NM_001363883.1); short protein forms L474F, L372F.
Identifiers: ClinVar variation 2124327 (VCV002124327.4), dbSNP rs2473806899, ClinGen allele CA355140126.

ClinVar aggregate classification (germline): Uncertain significance (1 of 4 stars; one submission).

Conditions:
Spastic paraplegia. Identifiers: MedGen C0037772, HP:0001258.

Submission:

Labcorp Genetics (formerly Invitae), Labcorp
Classification: Uncertain significance for Spastic paraplegia. Last evaluated: 2022-04-19. Review status: criteria provided, single submitter. Criteria: Invitae Variant Classification Sherloc (09022015). Collection method: clinical testing. Allele origin: germline.
Comment: This variant has not been reported in the literature in individuals affected with SLC33A1-related conditions. In summary, the available evidence is currently insufficient to determine the role of this variant in disease. Therefore, it has been classified as a Variant of Uncertain Significance. Algorithms developed to predict the effect of missense changes on protein structure and function are either unavailable or do not agree on the potential impact of this missense change (SIFT: "Tolerated"; PolyPhen-2: "Possibly Damaging"; Align-GVGD: "Class C0"). This variant is not present in population databases (gnomAD no frequency). This sequence change replaces leucine, which is neutral and non-polar, with phenylalanine, which is neutral and non-polar, at codon 474 of the SLC33A1 protein (p.Leu474Phe).